The following is an entry in ClinVar:

ClinVar aggregate classification (germline): Uncertain significance (1 of 4 stars; one submission).

gnomAD v4.1: 2 of 1,613,760 alleles (0.00012%); highest among the groups gnomAD compares: Non-Finnish European, 0.00017%; no homozygotes.

Submission:

CeGaT Center for Human Genetics Tuebingen
Classification: Uncertain significance. Last evaluated: 2026-04-01. Review status: criteria provided, single submitter. Criteria: CeGaT Center For Human Genetics Tuebingen Variant Classification Criteria Version 2. Collection method: clinical testing. Allele origin: germline. Affected: yes. Observed: 1 variant allele.
Comment: LDB3: PM2, BP4

NM_001368067.1(LDB3):c.346G>T (p.Ala116Ser)

Genes: LDB3 (LIM domain binding 3; plus strand), LOC110121486 (VISTA enhancer hs2143; plus strand). Cytogenetic location: 10q23.2.
Variant type: single nucleotide variant.
Coding change: c.346G>T on transcript NM_001368067.1 (MANE Plus Clinical); coding-DNA position 346, G replaced by T.
Protein change: p.Ala116Ser; replaces alanine 116 with serine.
Molecular consequence: missense variant. On other transcripts: intron variant (5).
Genome position (GRCh38, 1-based): chr10:86,687,070, G>T. VCF-style: chr10-86687070-G-T. GRCh37 (hg19) VCF-style: chr10-88446827-G-T.
Other names: c.346G>T, p.Ala116Ser (NM_001080114.2, NM_001080116.1, NM_001368066.1 and 1 more transcripts); c.691G>T, p.Ala231Ser (NM_001171610.2, NM_001171611.2); c.690-4826G>T (NM_001368064.1, NM_001368063.1, NM_007078.3 and 2 more transcripts); short protein forms A116S, A231S.
Identifiers: ClinVar variation 4874553 (VCV004874553.2).